The following is an entry in ClinVar:

NM_000554.6(CRX):c.658C>A (p.Pro220Thr)

Gene: CRX (cone-rod homeobox; plus strand). Cytogenetic location: 19q13.33.
Variant type: single nucleotide variant.
Coding change: c.658C>A on transcript NM_000554.6 (MANE Select); coding-DNA position 658, C replaced by A.
Protein change: p.Pro220Thr; replaces proline 220 with threonine.
Molecular consequence: missense variant.
Genome position (GRCh38, 1-based): chr19:47,839,725, C>A. VCF-style: chr19-47839725-C-A. GRCh37 (hg19) VCF-style: chr19-48342982-C-A.
Other names: short protein forms P220T.
Identifiers: ClinVar variation 2164428 (VCV002164428.4), dbSNP rs2514256490, ClinGen allele CA406631442.
Genomic context (GRCh38, chr19:47,839,725, plus strand): 5'-GCTTTCTGCTCTTCCCCCTCCGCCTATGGGTCTCCGAGCTCCTATTTCAGCGGCCTAGAC[C>A]CCTACCTTTCTCCCATGGTGCCCCAGCTAGGGGGCCCGGCTCTTAGCCCCCTCTCTGGCC-3'
Protein context (NP_000545.1, residues 210-230): SPSSYFSGLD[Pro220Thr]YLSPMVPQLG

ClinVar aggregate classification (germline): Uncertain significance (1 of 4 stars; one submission).

Conditions:
Cone-rod dystrophy 2 (CORD2). Also called: CONE-ROD RETINAL DYSTROPHY; Cone-rod retinal dystrophy 2. Identifiers: Orphanet 1872, MedGen C3489532, MONDO:0007362, OMIM 120970.
Leber congenital amaurosis 7 (LCA7). Identifiers: Orphanet 65, MedGen C3151192, MONDO:0013449, OMIM 613829.

Submission:

Labcorp Genetics (formerly Invitae), Labcorp
Classification: Uncertain significance for Cone-rod dystrophy 2; Leber congenital amaurosis 7. Last evaluated: 2024-10-22. Review status: criteria provided, single submitter. Criteria: Invitae Variant Classification Sherloc (09022015). Collection method: clinical testing. Allele origin: germline.
Comment: This sequence change replaces proline, which is neutral and non-polar, with threonine, which is neutral and polar, at codon 220 of the CRX protein (p.Pro220Thr). This variant is not present in population databases (gnomAD no frequency). This variant has not been reported in the literature in individuals affected with CRX-related conditions. ClinVar contains an entry for this variant (Variation ID: 2164428). Invitae Evidence Modeling of protein sequence and biophysical properties (such as structural, functional, and spatial information, amino acid conservation, physicochemical variation, residue mobility, and thermodynamic stability) indicates that this missense variant is not expected to disrupt CRX protein function with a negative predictive value of 95%. In summary, the available evidence is currently insufficient to determine the role of this variant in disease. Therefore, it has been classified as a Variant of Uncertain Significance.